The following is an entry in ClinVar:

NM_001378120.1(MBD5):c.4613T>A (p.Leu1538Gln)

Gene: MBD5 (methyl-CpG binding domain protein 5; plus strand). Cytogenetic location: 2q23.1.
Variant type: single nucleotide variant.
Coding change: c.4613T>A on transcript NM_001378120.1 (MANE Select); coding-DNA position 4613, T replaced by A.
Protein change: p.Leu1538Gln; replaces leucine 1538 with glutamine.
Molecular consequence: missense variant.
Genome position (GRCh38, 1-based): chr2:148,490,245, T>A. VCF-style: chr2-148490245-T-A. GRCh37 (hg19) VCF-style: chr2-149247814-T-A.
Other names: c.4613T>A, p.Leu1538Gln (NM_001438854.1, NM_001438856.1, NM_001438857.1 and 1 more transcripts); c.3914T>A, p.Leu1305Gln (NM_001438855.1, NM_001438859.1, NM_001438860.1 and 3 more transcripts); short protein forms L1305Q, L1538Q.
Identifiers: ClinVar variation 4278796 (VCV004278796.1).

ClinVar aggregate classification (germline): Uncertain significance (1 of 4 stars; one submission).

Submission:

GeneDx
Classification: Uncertain significance. Last evaluated: 2025-03-30. Review status: criteria provided, single submitter. Criteria: GeneDx Variant Classification Process June 2021. Collection method: clinical testing. Allele origin: germline. Affected: yes.
Comment: Not observed at significant frequency in large population cohorts (gnomAD); In silico analysis indicates that this missense variant does not alter protein structure/function; Has not been previously published as pathogenic or benign to our knowledge